The following is an entry in ClinVar:

NM_004815.4(ARHGAP29):c.1846C>T (p.Arg616Cys)

Gene: ARHGAP29 (Rho GTPase activating protein 29; minus strand). Cytogenetic location: 1p22.1.
Variant type: single nucleotide variant.
Coding change: c.1846C>T on transcript NM_004815.4 (MANE Select); coding-DNA position 1846, C replaced by T.
Protein change: p.Arg616Cys; replaces arginine 616 with cysteine.
Molecular consequence: missense variant.
Genome position (GRCh38, 1-based): chr1:94,185,416, G>A on the plus strand (C>T on the coding strand, the complement: ARHGAP29 is on the minus strand). VCF-style: chr1-94185416-G-A. GRCh37 (hg19) VCF-style: chr1-94650972-G-A.
Other names: c.1846C>T, p.Arg616Cys (NM_001328664.2); c.1654C>T, p.Arg552Cys (NM_001328665.2, NM_001328667.2); c.1819C>T, p.Arg607Cys (NM_001328666.2); short protein forms R607C, R616C, R552C.
Identifiers: ClinVar variation 5009724 (VCV005009724.1).

ClinVar aggregate classification (germline): Uncertain significance (1 of 4 stars; one submission).

gnomAD v4.1: 5 of 1,612,474 alleles (0.00031%); highest among the groups gnomAD compares: Admixed American, 0.0017%; no homozygotes.

Submission:

GeneDx
Classification: Uncertain significance. Last evaluated: 2026-03-02. Review status: criteria provided, single submitter. Criteria: GeneDx Variant Classification Process June 2021. Collection method: clinical testing. Allele origin: germline.
Comment: Not observed at significant frequency in large population cohorts (gnomAD); In silico analysis supports that this missense variant has a deleterious effect on protein structure/function; Has not been previously published as pathogenic or benign to our knowledge